The following is an entry in ClinVar:

NM_182746.3(MCM4):c.220C>G (p.Gln74Glu)

Gene: MCM4 (minichromosome maintenance complex component 4; plus strand). Cytogenetic location: 8q11.21.
Variant type: single nucleotide variant.
Coding change: c.220C>G on transcript NM_182746.3 (MANE Select); coding-DNA position 220, C replaced by G.
Protein change: p.Gln74Glu; replaces glutamine 74 with glutamic acid.
Molecular consequence: missense variant.
Genome position (GRCh38, 1-based): chr8:47,961,665, C>G. VCF-style: chr8-47961665-C-G. GRCh37 (hg19) VCF-style: chr8-48874225-C-G.
Other names: c.220C>G, p.Gln74Glu (NM_005914.4); short protein forms Q74E.
Identifiers: ClinVar variation 1364827 (VCV001364827.8), dbSNP rs1235010442, ClinGen allele CA371145145.

ClinVar aggregate classification (germline): Uncertain significance (1 of 4 stars; one submission).

Submission:

Labcorp Genetics (formerly Invitae), Labcorp
Classification: Uncertain significance. Last evaluated: 2024-12-16. Review status: criteria provided, single submitter. Criteria: Invitae Variant Classification Sherloc (09022015). Collection method: clinical testing. Allele origin: germline.
Comment: This sequence change replaces glutamine, which is neutral and polar, with glutamic acid, which is acidic and polar, at codon 74 of the MCM4 protein (p.Gln74Glu). This variant is not present in population databases (gnomAD no frequency). This variant has not been reported in the literature in individuals affected with MCM4-related conditions. ClinVar contains an entry for this variant (Variation ID: 1364827). An algorithm developed to predict the effect of missense changes on protein structure and function (PolyPhen-2) suggests that this variant is likely to be tolerated. In summary, the available evidence is currently insufficient to determine the role of this variant in disease. Therefore, it has been classified as a Variant of Uncertain Significance.